The following is an entry in ClinVar:

ClinVar aggregate classification (germline): Uncertain significance (1 of 4 stars; one submission).

Conditions:
Hereditary cancer-predisposing syndrome. Also called: Neoplastic Syndromes, Hereditary; Tumor predisposition; Hereditary Cancer Syndrome; Hereditary neoplastic syndrome. Identifiers: Orphanet 140162, MedGen C0027672, MeSH D009386, MONDO:0015356.

Submission:

Ambry Genetics
Classification: Uncertain significance for Hereditary cancer-predisposing syndrome. Last evaluated: 2026-02-23. Review status: criteria provided, single submitter. Criteria: Ambry Variant Classification Scheme 2023. Collection method: clinical testing. Allele origin: germline.
Comment: The p.A59S variant (also known as c.175G>T), located in coding exon 2 of the APC gene, results from a G to T substitution at nucleotide position 175. The alanine at codon 59 is replaced by serine, an amino acid with similar properties. This amino acid position is conserved. In addition, in silico predictors for this gene do not accurately predict pathogenicity. Based on the available evidence, the clinical significance of this variant remains unclear.

NM_000038.6(APC):c.175G>T (p.Ala59Ser)

Gene: APC (APC regulator of Wnt signaling pathway; plus strand). Cytogenetic location: 5q22.2.
Variant type: single nucleotide variant.
Coding change: c.175G>T on transcript NM_000038.6 (MANE Select); coding-DNA position 175, G replaced by T.
Protein change: p.Ala59Ser; replaces alanine 59 with serine.
Molecular consequence: missense variant. On other transcripts: 5 prime UTR variant (8), non-coding transcript variant (2).
Genome position (GRCh38, 1-based): chr5:112,766,365, G>T. VCF-style: chr5-112766365-G-T. GRCh37 (hg19) VCF-style: chr5-112102062-G-T.
Other names: c.175G>T, p.Ala59Ser (NM_001407454.1, NM_001407455.1, NM_001407456.1 and 16 more transcripts); c.-861G>T (NM_001407470.1, NM_001407471.1, NM_001407472.1 and 1 more transcripts); c.100G>T, p.Ala34Ser (NM_001407451.1, NM_001354898.2, NM_001354904.2); c.-3G>T (NM_001407453.1, NM_001354900.2, NM_001354901.2 and 1 more transcripts); c.205G>T, p.Ala69Ser (NM_001127511.3, NM_001354897.2, NM_001354902.2 and 1 more transcripts); short protein forms A69S, A59S, A34S.
Identifiers: ClinVar variation 4827272 (VCV004827272.1).
Genomic context (GRCh38, chr5:112,766,365, plus strand): 5'-ATATTGTGTTCTTTTTAACAGGAAGTACTTAAACAACTACAAGGAAGTATTGAAGATGAA[G>T]CTATGGCTTCTTCTGGACAGATTGATTTATTAGAGCGTCTTAAAGGTAGATTTTAAAAAG-3'
Protein context (NP_000029.2, residues 49-69): KQLQGSIEDE[Ala59Ser]MASSGQIDLL